The following is an entry in ClinVar:

ClinVar aggregate classification (germline): Likely benign (1 of 4 stars; one submission).

Allele frequency attached by ClinVar (database versions not stated): ExAC 0.00003; gnomAD 0.00005.
gnomAD v4.1: 71 of 1,604,412 alleles (0.0044%); highest among the groups gnomAD compares: South Asian, 0.0068%; no homozygotes.

Submission:

CeGaT Center for Human Genetics Tuebingen
Classification: Likely benign. Last evaluated: 2022-07-01. Review status: criteria provided, single submitter. Criteria: CeGaT Center For Human Genetics Tuebingen Variant Classification Criteria Version 2. Collection method: clinical testing. Allele origin: germline. Affected: yes. Observed: 1 variant allele.
Comment: CSMD1: BP4, BP7

NM_033225.6(CSMD1):c.2298C>T (p.Ser766=)

Gene: CSMD1 (CUB and Sushi multiple domains 1; minus strand). Cytogenetic location: 8p23.2.
Variant type: single nucleotide variant.
Coding change: c.2298C>T on transcript NM_033225.6 (MANE Select); coding-DNA position 2298, C replaced by T.
Protein change: p.Ser766=; no amino-acid change (serine 766 retained).
Molecular consequence: synonymous variant.
Genome position (GRCh38, 1-based): chr8:3,399,498, G>A on the plus strand (C>T on the coding strand, the complement: CSMD1 is on the minus strand). VCF-style: chr8-3399498-G-A. GRCh37 (hg19) VCF-style: chr8-3257020-G-A.
Identifiers: ClinVar variation 2658344 (VCV002658344.24), dbSNP rs768343391, ClinGen allele CA4608421.